The following is an entry in ClinVar:

NM_001122769.3(LCA5):c.181C>T (p.His61Tyr)

Gene: LCA5 (lebercilin LCA5; minus strand). Cytogenetic location: 6q14.1.
Variant type: single nucleotide variant.
Coding change: c.181C>T on transcript NM_001122769.3 (MANE Select); coding-DNA position 181, C replaced by T.
Protein change: p.His61Tyr; replaces histidine 61 with tyrosine.
Molecular consequence: missense variant.
Genome position (GRCh38, 1-based): chr6:79,518,714, G>A on the plus strand (C>T on the coding strand, the complement: LCA5 is on the minus strand). VCF-style: chr6-79518714-G-A. GRCh37 (hg19) VCF-style: chr6-80228431-G-A.
Other names: c.181C>T, p.His61Tyr (NM_181714.4); short protein forms H61Y.
Identifiers: ClinVar variation 970318 (VCV000970318.8), dbSNP rs768698579, ClinGen allele CA3901193.
Genomic context (GRCh38, chr6:79,518,714, plus strand): 5'-CACTCAAAATGAGTCTTCTAGGTCCACCAGACTCTTTTAAAGAATGCTTACCTTGGTGAT[G>A]TACTTGGCCATCTGAAGTTTGTCTTTTAGGATTTTTTCTCCTAACACTTGCAGGTGAAGA-3'
Protein context (NP_001116241.1, residues 51-71): PKRQTSDGQV[His61Tyr]HQAPRKPSPK

ClinVar aggregate classification (germline): Uncertain significance. Review status: criteria provided, multiple submitters, no conflicts (2 of 4 stars). 3 submissions from 3 submitters: Uncertain significance (2). 1 of the submissions does not count toward it. Last evaluated 2024-02-27.

Conditions:
Inborn genetic diseases. Identifiers: MedGen C0950123, MeSH D030342.
Leber congenital amaurosis 5 (LCA5). Also called: Amaurosis congenita of Leber, type 5. Identifiers: Orphanet 65, MedGen C1858301, MONDO:0011473, OMIM 604537.

Allele frequency attached by ClinVar (database versions not stated): gnomAD exomes 0.00001; ExAC 0.00002.
gnomAD v4.1: 12 of 1,614,046 alleles (0.00074%); highest among the groups gnomAD compares: Middle Eastern, 0.016%; no homozygotes.

Submissions (3):

Ambry Genetics
Classification: Uncertain significance for Inborn genetic diseases. Last evaluated: 2024-02-27. Review status: criteria provided, single submitter. Criteria: Ambry Variant Classification Scheme 2023. Collection method: clinical testing. Allele origin: germline.

Labcorp Genetics (formerly Invitae), Labcorp
Classification: Uncertain significance. Last evaluated: 2023-10-13. Review status: criteria provided, single submitter. Criteria: Invitae Variant Classification Sherloc (09022015). Collection method: clinical testing. Allele origin: germline.
Comment: This sequence change replaces histidine, which is basic and polar, with tyrosine, which is neutral and polar, at codon 61 of the LCA5 protein (p.His61Tyr). This variant is present in population databases (rs768698579, gnomAD 0.006%). This variant has not been reported in the literature in individuals affected with LCA5-related conditions. ClinVar contains an entry for this variant (Variation ID: 970318). Advanced modeling of protein sequence and biophysical properties (such as structural, functional, and spatial information, amino acid conservation, physicochemical variation, residue mobility, and thermodynamic stability) performed at Invitae indicates that this missense variant is not expected to disrupt LCA5 protein function. In summary, the available evidence is currently insufficient to determine the role of this variant in disease. Therefore, it has been classified as a Variant of Uncertain Significance.

Natera, Inc.
Classification: Uncertain significance for Leber congenital amaurosis type 5. Last evaluated: 2021-02-24. Review status: no assertion criteria provided. Collection method: clinical testing. Allele origin: germline. Not counted in ClinVar's aggregate classification.